The following is an entry in ClinVar:

NM_032447.5(FBN3):c.7649G>A (p.Arg2550His)

Gene: FBN3 (fibrillin 3; minus strand). Cytogenetic location: 19p13.2.
Variant type: single nucleotide variant.
Coding change: c.7649G>A on transcript NM_032447.5 (MANE Select); coding-DNA position 7649, G replaced by A.
Protein change: p.Arg2550His; replaces arginine 2550 with histidine.
Molecular consequence: missense variant.
Genome position (GRCh38, 1-based): chr19:8,075,124, C>T on the plus strand (G>A on the coding strand, the complement: FBN3 is on the minus strand). VCF-style: chr19-8075124-C-T. GRCh37 (hg19) VCF-style: chr19-8140008-C-T.
Other names: c.7649G>A, p.Arg2550His (NM_001321431.2); c.7649G>A (NM_032447.3); short protein forms R2550H.
Identifiers: ClinVar variation 2174001 (VCV002174001.5), dbSNP rs142975316, ClinGen allele CA9150795.

ClinVar aggregate classification (germline): Uncertain significance. Review status: criteria provided, multiple submitters, no conflicts (2 of 4 stars). 2 submissions from 2 submitters: Uncertain significance (2). Last evaluated 2025-06-27.

Allele frequency attached by ClinVar (database versions not stated): TOPMed 0.00010; gnomAD 0.00011; ExAC 0.00012; gnomAD exomes 0.00018; ESP Exome Variant Server 0.00023.
gnomAD v4.1: 278 of 1,587,774 alleles (0.018%); highest among the groups gnomAD compares: Non-Finnish European, 0.022%; no homozygotes.

Submissions (2):

Labcorp Genetics (formerly Invitae), Labcorp
Classification: Uncertain significance. Last evaluated: 2025-06-27. Review status: criteria provided, single submitter. Criteria: Invitae Variant Classification Sherloc (09022015). Collection method: clinical testing. Allele origin: germline.
Comment: This sequence change replaces arginine, which is basic and polar, with histidine, which is basic and polar, at codon 2550 of the FBN3 protein (p.Arg2550His). This variant is present in population databases (rs142975316, gnomAD 0.02%). This variant has not been reported in the literature in individuals affected with FBN3-related conditions. ClinVar contains an entry for this variant (Variation ID: 2174001). Invitae Evidence Modeling of protein sequence and biophysical properties (such as structural, functional, and spatial information, amino acid conservation, physicochemical variation, residue mobility, and thermodynamic stability) indicates that this missense variant is not expected to disrupt FBN3 protein function with a negative predictive value of 80%. In summary, the available evidence is currently insufficient to determine the role of this variant in disease. Therefore, it has been classified as a Variant of Uncertain Significance.

Ambry Genetics
Classification: Uncertain significance. Last evaluated: 2025-03-10. Review status: criteria provided, single submitter. Criteria: Ambry Variant Classification Scheme 2023. Collection method: clinical testing. Allele origin: germline.